The following is an entry in ClinVar:

NM_001378454.1(ALMS1):c.6627G>C (p.Leu2209Phe)

Gene: ALMS1 (ALMS1 centrosome and basal body associated protein; plus strand). Cytogenetic location: 2p13.1.
Variant type: single nucleotide variant.
Coding change: c.6627G>C on transcript NM_001378454.1 (MANE Select); coding-DNA position 6627, G replaced by C.
Protein change: p.Leu2209Phe; replaces leucine 2209 with phenylalanine.
Molecular consequence: missense variant.
Genome position (GRCh38, 1-based): chr2:73,453,154, G>C. VCF-style: chr2-73453154-G-C. GRCh37 (hg19) VCF-style: chr2-73680281-G-C.
Other names: c.6630G>C, p.Leu2210Phe (NM_015120.4); short protein forms L2209F, L2210F.
Identifiers: ClinVar variation 1968703 (VCV001968703.4), dbSNP rs2466109777, ClinGen allele CA347288832.

ClinVar aggregate classification (germline): Uncertain significance (1 of 4 stars; one submission).

Conditions:
Alstrom syndrome (ALMS). Identifiers: Orphanet 64, MedGen C0268425, MONDO:0008763, OMIM 203800.

Submission:

Labcorp Genetics (formerly Invitae), Labcorp
Classification: Uncertain significance for Alstrom syndrome. Last evaluated: 2024-07-09. Review status: criteria provided, single submitter. Criteria: Invitae Variant Classification Sherloc (09022015). Collection method: clinical testing. Allele origin: germline.
Comment: This sequence change replaces leucine, which is neutral and non-polar, with phenylalanine, which is neutral and non-polar, at codon 2210 of the ALMS1 protein (p.Leu2210Phe). This variant is not present in population databases (gnomAD no frequency). This variant has not been reported in the literature in individuals affected with ALMS1-related conditions. ClinVar contains an entry for this variant (Variation ID: 1968703). Experimental studies and prediction algorithms are not available or were not evaluated, and the functional significance of this variant is currently unknown. In summary, the available evidence is currently insufficient to determine the role of this variant in disease. Therefore, it has been classified as a Variant of Uncertain Significance.